The following is an entry in ClinVar:

NM_175914.5(HNF4A):c.561C>G (p.Cys187Trp)

Gene: HNF4A (hepatocyte nuclear factor 4 alpha; plus strand). Cytogenetic location: 20q13.12.
Variant type: single nucleotide variant.
Coding change: c.561C>G on transcript NM_175914.5 (MANE Select); coding-DNA position 561, C replaced by G.
Protein change: p.Cys187Trp; replaces cysteine 187 with tryptophan.
Molecular consequence: missense variant.
Genome position (GRCh38, 1-based): chr20:44,414,641, C>G. VCF-style: chr20-44414641-C-G. GRCh37 (hg19) VCF-style: chr20-43043281-C-G.
Other names: NM_175914.5:c.561C>G; c.627C>G, p.Cys209Trp (NM_000457.6, NM_178849.3, NM_178850.3); c.561C>G, p.Cys187Trp (NM_001030003.3, NM_001030004.3); c.606C>G, p.Cys202Trp (NM_001258355.2); c.552C>G, p.Cys184Trp (NM_001287182.2, NM_001287183.2, NM_001287184.2); short protein forms C184W, C187W, C202W, C209W.
Identifiers: ClinVar variation 2578343 (VCV002578343.1), dbSNP rs749446315, ClinGen allele CA409106207.
Genomic context (GRCh38, chr20:44,414,641, plus strand): 5'-GTCCATGAAGGAGCAGCTGCTGGTTCTCGTTGAGTGGGCCAAGTACATCCCAGCTTTCTG[C>G]GAGCTCCCCCTGGACGACCAGGTGAGGATGGGCGTGGATGGTGGGCAGTAGTGGGCAGTG-3'
Protein context (NP_787110.2, residues 177-197): VEWAKYIPAF[Cys187Trp]ELPLDDQVAL

ClinVar aggregate classification (germline): Uncertain significance (3 of 4 stars; one submission).

Conditions:
Monogenic diabetes. Identifiers: Orphanet 183625, MedGen C3888631, MONDO:0015967.

Submission:

ClinGen Monogenic Diabetes Variant Curation Expert Panel
Classification: Uncertain significance for Monogenic diabetes. Last evaluated: 2023-08-13. Review status: reviewed by expert panel. Criteria: ClinGen Monogenic Diabetes ACMG Specifications HNF4A V1.1.0. Collection method: curation. Allele origin: germline. Inheritance: Autosomal dominant inheritance.
Comment: The c.561C>G variant in the HNF4 homeobox A gene, HNF4A, causes an amino acid change of cysteine to tryptophan at codon 187 (p.(Cys187Trp)) of NM_175914.4. This variant is located within the ligand binding domain (codons 180-220 and 300-350) of HNF4A, which is defined as critical for the protein’s function by the ClinGen MDEP (PM1_Supporting). This variant is absent in gnomAD v2.1.1 (PM2_Supporting), and was identified in an individual with a clinical history highly specific for HNF4A-MODY (MODY probability calculator result >50%, negative genetic testing for HNF1A) (PP4; internal lab contributor). In summary, the c.561C>G variant meets the criteria to be classified as a variant of uncertain significance for monogenic diabetes. ACMG/AMP criteria applied, as specified by the ClinGen MDEP (specification version 1.1.0, approved 8/11/2023): PP4, PM1_Supporting, PM2_Supporting.